The following is an entry in ClinVar:

NM_017780.4(CHD7):c.5110C>T (p.Gln1704Ter)

Gene: CHD7 (chromodomain helicase DNA binding protein 7; plus strand). Cytogenetic location: 8q12.2.
Variant type: single nucleotide variant.
Coding change: c.5110C>T on transcript NM_017780.4 (MANE Select); coding-DNA position 5110, C replaced by T.
Protein change: p.Gln1704Ter; replaces glutamine 1704 with a stop codon.
Molecular consequence: nonsense. On other transcripts: intron variant (1).
Genome position (GRCh38, 1-based): chr8:60,845,309, C>T. VCF-style: chr8-60845309-C-T. GRCh37 (hg19) VCF-style: chr8-61757868-C-T.
Other names: c.1717-16920C>T (NM_001316690.1); short protein forms Q1704*.
Identifiers: ClinVar variation 838744 (VCV000838744.7), dbSNP rs1805157634, ClinGen allele CA371320419.

ClinVar aggregate classification (germline): Pathogenic (1 of 4 stars; one submission).

Conditions:
CHARGE syndrome (CHARGE). Also called: Hittner Hirsch Kreh syndrome; CHARGE ASSOCIATION--COLOBOMA, HEART ANOMALY, CHOANAL ATRESIA, RETARDATION, GENITAL AND EAR ANOMALIES; Coloboma, heart anomaly, choanal atresia, retardation, genital and ear anomalies; CHARGE association; Hall-Hittner syndrome. Identifiers: Orphanet 138, MedGen C0265354, MONDO:0008965.

Submission:

Labcorp Genetics (formerly Invitae), Labcorp
Classification: Pathogenic for CHARGE syndrome. Last evaluated: 2019-01-19. Review status: criteria provided, single submitter. Criteria: Invitae Variant Classification Sherloc (09022015). Collection method: clinical testing. Allele origin: germline.
Comment: This sequence change creates a premature translational stop signal (p.Gln1704*) in the CHD7 gene. It is expected to result in an absent or disrupted protein product. This variant is not present in population databases (ExAC no frequency). For these reasons, this variant has been classified as Pathogenic. Loss-of-function variants in CHD7 are known to be pathogenic (PMID: 22461308, 25077900). This variant has not been reported in the literature in individuals with CHD7-related conditions.

Literature cited by the submitters: PubMed 22461308; PubMed 25077900.